The following is an entry in ClinVar:

ClinVar aggregate classification (germline): Uncertain significance (1 of 4 stars; one submission).

Submission:

Women's Health and Genetics/Laboratory Corporation of America, LabCorp
Classification: Uncertain significance. Last evaluated: 2024-02-20. Review status: criteria provided, single submitter. Criteria: LabCorp Variant Classification Summary - May 2015. Collection method: clinical testing. Allele origin: germline.
Comment: Variant summary: SH3TC2 c.3689C>T (p.Ala1230Val) results in a non-conservative amino acid change in the encoded protein sequence. Five of five in-silico tools predict a damaging effect of the variant on protein function. The variant was absent in 251154 control chromosomes (gnomAD). The available data on variant occurrences in the general population are insufficient to allow any conclusion about variant significance. To our knowledge, no occurrence of c.3689C>T in individuals affected with Charcot-Marie Disease Type 4C and no experimental evidence demonstrating its impact on protein function have been reported. No submitters have cited clinical-significance assessments for this variant to ClinVar. Based on the evidence outlined above, the variant was classified as uncertain significance.

NM_024577.4(SH3TC2):c.3689C>T (p.Ala1230Val)

Gene: SH3TC2 (SH3 domain and tetratricopeptide repeats 2; minus strand). Cytogenetic location: 5q32.
Variant type: single nucleotide variant.
Coding change: c.3689C>T on transcript NM_024577.4 (MANE Select); coding-DNA position 3689, C replaced by T.
Protein change: p.Ala1230Val; replaces alanine 1230 with valine.
Molecular consequence: missense variant.
Genome position (GRCh38, 1-based): chr5:149,004,889, G>A on the plus strand (C>T on the coding strand, the complement: SH3TC2 is on the minus strand). VCF-style: chr5-149004889-G-A. GRCh37 (hg19) VCF-style: chr5-148384452-G-A.
Other names: short protein forms A1230V.
Identifiers: ClinVar variation 3068768 (VCV003068768.2), dbSNP rs1753659784, ClinGen allele CA361663758.